The following is an entry in ClinVar:

NM_005732.4(RAD50):c.3777G>A (p.Gln1259=)

Genes: RAD50 (RAD50 double strand break repair protein; plus strand), TH2LCRR (T helper type 2 locus control region associated RNA; minus strand). Cytogenetic location: 5q31.1.
Variant type: single nucleotide variant.
Coding change: c.3777G>A on transcript NM_005732.4 (MANE Select); coding-DNA position 3777, G replaced by A.
Protein change: p.Gln1259=; no amino-acid change (glutamine 1259 retained).
Molecular consequence: synonymous variant. On other transcripts: non-coding transcript variant (1).
Genome position (GRCh38, 1-based): chr5:132,642,202, G>A. VCF-style: chr5-132642202-G-A. GRCh37 (hg19) VCF-style: chr5-131977894-G-A.
Identifiers: ClinVar variation 748070 (VCV000748070.13), dbSNP rs587780157, ClinGen allele CA446356440.

ClinVar aggregate classification (germline): Conflicting classifications of pathogenicity. Review status: criteria provided, conflicting classifications (1 of 4 stars). 3 submissions from 3 submitters: Uncertain significance (1); Likely benign (2). Last evaluated 2024-08-16.

Conditions:
Hereditary cancer-predisposing syndrome. Also called: Tumor predisposition; Hereditary neoplastic syndrome; Neoplastic Syndromes, Hereditary; Hereditary Cancer Syndrome. Identifiers: Orphanet 140162, MedGen C0027672, MeSH D009386, MONDO:0015356.

Allele frequency attached by ClinVar (database versions not stated): gnomAD exomes below 0.00001.

Submissions (3):

Quest Diagnostics Nichols Institute San Juan Capistrano
Classification: Uncertain significance. Last evaluated: 2024-08-16. Review status: criteria provided, single submitter. Criteria: Quest Diagnostics criteria. Collection method: clinical testing. Allele origin: unknown.
Comment: The RAD50 c.3777G>A (p.Gln1259=) synonymous variant has not been reported in individuals with RAD50-related conditions in the published literature. The frequency of this variant in the general population, 0.000033 (1/30614 chromosomes (Genome Aggregation Database)), is uninformative in the assessment of its pathogenicity. Analysis of this variant using software algorithms for the prediction of the effect of nucleotide changes on RAD50 mRNA splicing yielded predictions that this variant may result in the gain of a cryptic splice site without affecting the natural splice sites. Based on the available information, we are unable to determine the clinical significance of this variant.

Labcorp Genetics (formerly Invitae), Labcorp
Classification: Likely benign for Hereditary cancer-predisposing syndrome. Last evaluated: 2024-05-29. Review status: criteria provided, single submitter. Criteria: Invitae Variant Classification Sherloc (09022015). Collection method: clinical testing. Allele origin: germline.

Ambry Genetics
Classification: Likely benign for Hereditary cancer-predisposing syndrome. Last evaluated: 2020-01-15. Review status: criteria provided, single submitter. Criteria: Ambry Variant Classification Scheme 2023. Collection method: clinical testing. Allele origin: germline.